The following is an entry in ClinVar:

ClinVar aggregate classification (germline): Uncertain significance (1 of 4 stars; one submission).

Conditions:
Myofibrillar myopathy 4. Also called: Zaspopathy (type). Identifiers: Orphanet 98912, MedGen C4721886, MONDO:0012277, OMIM 609452.

Submission:

Labcorp Genetics (formerly Invitae), Labcorp
Classification: Uncertain significance for Myofibrillar myopathy 4. Last evaluated: 2019-07-31. Review status: criteria provided, single submitter. Criteria: Invitae Variant Classification Sherloc (09022015). Collection method: clinical testing. Allele origin: germline.
Comment: In summary, the available evidence is currently insufficient to determine the role of this variant in disease. Therefore, it has been classified as a Variant of Uncertain Significance. Nucleotide substitutions within the consensus splice site are a relatively common cause of aberrant splicing (PMID: 17576681, 9536098). Algorithms developed to predict the effect of sequence changes on RNA splicing suggest that this variant is not likely to affect RNA splicing, but this prediction has not been confirmed by published transcriptional studies. This variant has not been reported in the literature in individuals with LDB3-related conditions. This variant is not present in population databases (ExAC no frequency). This sequence change falls in intron 11 of the LDB3 gene. It does not directly change the encoded amino acid sequence of the LDB3 protein, but it affects a nucleotide within the consensus splice site of the intron. The LDB3 gene has multiple clinically relevant transcripts. The c.1978+6A>G variant occurs in alternate transcript NM_007078.2, which corresponds to c.*19479A>G in NM_001080116.1, the primary transcript listed in the Methods.

Literature cited by the submitters: PubMed 17576681; PubMed 9536098.

NM_007078.3(LDB3):c.1978+6A>G

Gene: LDB3 (LIM domain binding 3; plus strand). Cytogenetic location: 10q23.2.
Variant type: single nucleotide variant.
Coding change: c.1978+6A>G on transcript NM_007078.3 (MANE Select); 6 bases into the intron after coding-DNA position 1978, A replaced by G.
Molecular consequence: intron variant.
Genome position (GRCh38, 1-based): chr10:86,718,853, A>G. VCF-style: chr10-86718853-A-G. GRCh37 (hg19) VCF-style: chr10-88478610-A-G.
Other names: c.1789+6A>G (NM_001368064.1, NM_001368065.1); c.1993+6A>G (NM_001171610.2); c.1837+6A>G (NM_001368066.1); c.1648+6A>G (NM_001080114.2).
Identifiers: ClinVar variation 970133 (VCV000970133.8), dbSNP rs1846973492, ClinGen allele CA1139661543.